The following is an entry in ClinVar:

ClinVar aggregate classification (germline): Conflicting classifications of pathogenicity. Review status: criteria provided, conflicting classifications (1 of 4 stars). 8 submissions from 8 submitters: Uncertain significance (1); Benign (1); Likely benign (5). 1 of the submissions does not count toward it. Last evaluated 2026-01-24.

Conditions:
Leukocyte adhesion deficiency 3. Also called: Leukocyte adhesion deficiency, type III; INTEGRIN ACTIVATION DEFICIENCY DISEASE; LEUKOCYTE ADHESION DEFICIENCY 1 VARIANT. Identifiers: Orphanet 2968, Orphanet 99844, MedGen C2748536, MONDO:0013016, OMIM 612840.

Allele frequency attached by ClinVar (database versions not stated): TOPMed 0.00093; gnomAD 0.00106; ESP Exome Variant Server 0.00108; 1000 Genomes Project 30x 0.00109; 1000 Genomes Project 0.00120; gnomAD exomes 0.00152.
gnomAD v4.1: 2,336 of 1,613,966 alleles (0.14%); highest among the groups gnomAD compares: Admixed American, 0.2%; 5 homozygotes.

Submissions (8):

Labcorp Genetics (formerly Invitae), Labcorp
Classification: Likely benign for Leukocyte adhesion deficiency 3. Last evaluated: 2026-01-24. Review status: criteria provided, single submitter. Criteria: Invitae Variant Classification Sherloc (09022015). Collection method: clinical testing. Allele origin: germline.

Women's Health and Genetics/Laboratory Corporation of America, LabCorp
Classification: Likely benign. Last evaluated: 2026-01-23. Review status: criteria provided, single submitter. Criteria: LabCorp Variant Classification Summary - May 2015. Collection method: clinical testing. Allele origin: germline.

Mayo Clinic Laboratories, Mayo Clinic
Classification: Benign. Last evaluated: 2025-07-08. Review status: criteria provided, single submitter. Criteria: ACMG Guidelines, 2015. Collection method: clinical testing. Allele origin: germline. Observed: 2 variant alleles.
Comment: BS1, BS2, BP4, BP7

Blueprint Genetics
Classification: Likely benign. Last evaluated: 2024-11-21. Review status: criteria provided, single submitter. Criteria: ACMG Guidelines, 2015. Collection method: clinical testing. Allele origin: germline.

CeGaT Center for Human Genetics Tuebingen
Classification: Likely benign. Last evaluated: 2024-10-01. Review status: criteria provided, single submitter. Criteria: CeGaT Center For Human Genetics Tuebingen Variant Classification Criteria Version 2. Collection method: clinical testing. Allele origin: germline. Affected: yes. Observed: 2 variant alleles.
Comment: FERMT3: BP4, BP7

Clinical Genetics DNA and cytogenetics Diagnostics Lab, Erasmus MC, Erasmus Medical Center
Classification: Likely benign for Leukocyte adhesion deficiency 3. Last evaluated: 2017-10-02. Review status: criteria provided, single submitter. Criteria: ACGS Guidelines, 2013. Collection method: clinical testing. Allele origin: germline. Affected: yes. Study: VKGL Data-share Consensus.

Eurofins Ntd Llc (ga)
Classification: Uncertain significance. Last evaluated: 2014-12-23. Review status: criteria provided, single submitter. Criteria: EGL Classification Definitions 2015. Collection method: clinical testing. Allele origin: germline. Observed: 1 variant allele, 1 heterozygote.

Diagnostic Laboratory, Department of Genetics, University Medical Center Groningen
Classification: Likely benign for Leukocyte adhesion deficiency 3. Review status: no assertion criteria provided. Collection method: clinical testing. Allele origin: germline. Affected: yes. Study: VKGL Data-share Consensus. Not counted in ClinVar's aggregate classification.

NM_031471.6(FERMT3):c.1893C>T (p.Ile631=)

Gene: FERMT3 (FERM domain containing kindlin 3; plus strand). Cytogenetic location: 11q13.1.
Variant type: single nucleotide variant.
Coding change: c.1893C>T on transcript NM_031471.6 (MANE Select); coding-DNA position 1893, C replaced by T.
Protein change: p.Ile631=; no amino-acid change (isoleucine 631 retained).
Molecular consequence: synonymous variant.
Genome position (GRCh38, 1-based): chr11:64,223,393, C>T. VCF-style: chr11-64223393-C-T. GRCh37 (hg19) VCF-style: chr11-63990865-C-T.
Other names: p.Ile631=; c.1893C>T, p.Ile631= (NM_001382361.1, NM_001382448.1); c.1905C>T, p.Ile635= (NM_001382362.1, NM_178443.3); c.1353C>T, p.Ile451= (NM_001382363.1); c.1365C>T, p.Ile455= (NM_001382364.1).
Identifiers: ClinVar variation 194564 (VCV000194564.43), dbSNP rs142025489, ClinGen allele CA240605.
Genomic context (GRCh38, chr11:64,223,393, plus strand): 5'-ACACATCAATGTGGCCTTCAGCTGCGTGTCTGCCAGCTGCCGAATTGTACACGAGTATAT[C>T]GGGGGCTACATTTTCCTGTCGACGCGGGAGCGGGCCCGTGGGGAGGAGCTGGATGAAGAC-3'
Protein context (NP_113659.3, residues 621-641): SASCRIVHEY[Ile631=]GGYIFLSTRE